The following is an entry in ClinVar:

ClinVar aggregate classification (germline): Benign (1 of 4 stars; one submission).

Allele frequency attached by ClinVar (database versions not stated): gnomAD 0.99735 and 0.99745; 1000 Genomes Project 30x 0.99953; 1000 Genomes Project 0.99960.
gnomAD v4.1: 151,913 of 152,300 alleles (100%); highest among the groups gnomAD compares: Middle Eastern, 100%; 75,763 homozygotes.

Submissions (5):

GeneDx
Classification: Benign. Last evaluated: 2018-06-14. Review status: criteria provided, single submitter. Criteria: GeneDx Variant Classification (06012015). Collection method: clinical testing. Allele origin: germline. Affected: yes.
Comment: This variant is considered likely benign or benign based on one or more of the following criteria: it is a conservative change, it occurs at a poorly conserved position in the protein, it is predicted to be benign by multiple in silico algorithms, and/or has population frequency not consistent with disease.

Dr. Peter K. Rogan Lab, Western University
No classification provided (evidence only). Condition: Lung cancer. Review status: no classification provided. Collection method: in vitro. Allele origin: not applicable. Functional consequence: retained intron. Not counted in ClinVar's aggregate classification.

Dr. Peter K. Rogan Lab, Western University
No classification provided (evidence only). Condition: Familial cancer of breast. Review status: no classification provided. Collection method: in vitro. Allele origin: not applicable. Functional consequence: retained intron. Not counted in ClinVar's aggregate classification.

Dr. Peter K. Rogan Lab, Western University
No classification provided (evidence only). Condition: Uterine corpus endometrial carcinoma. Review status: no classification provided. Collection method: in vitro. Allele origin: not applicable. Functional consequence: retained intron. Not counted in ClinVar's aggregate classification.

Dr. Peter K. Rogan Lab, Western University
No classification provided (evidence only). Condition: Cervical cancer. Review status: no classification provided. Collection method: in vitro. Allele origin: not applicable. Functional consequence: retained intron. Not counted in ClinVar's aggregate classification.

NM_032119.4(ADGRV1):c.3289+189T>G

Gene: ADGRV1 (adhesion G protein-coupled receptor V1; plus strand). Cytogenetic location: 5q14.3.
Variant type: single nucleotide variant.
Coding change: c.3289+189T>G on transcript NM_032119.4 (MANE Select); 189 bases into the intron after coding-DNA position 3289, T replaced by G.
Molecular consequence: intron variant.
Genome position (GRCh38, 1-based): chr5:90,647,953, T>G. VCF-style: chr5-90647953-T-G. GRCh37 (hg19) VCF-style: chr5-89943770-T-G.
Other names: NC_000005.9:g.89943770T>G.
Identifiers: ClinVar variation 678788 (VCV000678788.2), dbSNP rs62375080, ClinGen allele CA121836412.
Genomic context (GRCh38, chr5:90,647,953, plus strand): 5'-TTTCATTGCTTTCTTGAGAAATGGGGTGAAGAATGTATGTGTTGAACCTTTATGTACTTG[T>G]TGAACCTTTATGACATCCTTTTTAACCTTTTCTTTATGATATGGCACAAATAGAAAATTC-3'